The following is an entry in ClinVar:

NM_152564.5(VPS13B):c.4032T>G (p.Asn1344Lys)

Gene: VPS13B (vacuolar protein sorting 13 homolog B; plus strand). Cytogenetic location: 8q22.2.
Variant type: single nucleotide variant.
Coding change: c.4032T>G on transcript NM_152564.5 (MANE Select); coding-DNA position 4032, T replaced by G.
Protein change: p.Asn1344Lys; replaces asparagine 1344 with lysine.
Molecular consequence: missense variant.
Genome position (GRCh38, 1-based): chr8:99,501,848, T>G. VCF-style: chr8-99501848-T-G. GRCh37 (hg19) VCF-style: chr8-100514076-T-G.
Other names: c.4032T>G, p.Asn1344Lys (NM_017890.5); short protein forms N1344K.
Identifiers: ClinVar variation 2127345 (VCV002127345.2), dbSNP rs1821248002, ClinGen allele CA371869777.

ClinVar aggregate classification (germline): Uncertain significance (1 of 4 stars; one submission).

Conditions:
Cohen syndrome (COH1). Also called: Cutis verticis gyrata, retinitis pigmentosa, and sensorineural deafness; PEPPER SYNDROME. Identifiers: Orphanet 193, MedGen C0265223, MONDO:0008999, OMIM 216550.

Submission:

Labcorp Genetics (formerly Invitae), Labcorp
Classification: Uncertain significance for Cohen syndrome. Last evaluated: 2025-03-17. Review status: criteria provided, single submitter. Criteria: Invitae Variant Classification Sherloc (09022015). Collection method: clinical testing. Allele origin: germline.
Comment: This sequence change replaces asparagine, which is neutral and polar, with lysine, which is basic and polar, at codon 1344 of the VPS13B protein (p.Asn1344Lys). This variant is not present in population databases (gnomAD no frequency). This variant has not been reported in the literature in individuals affected with VPS13B-related conditions. ClinVar contains an entry for this variant (Variation ID: 2127345). Invitae Evidence Modeling of protein sequence and biophysical properties (such as structural, functional, and spatial information, amino acid conservation, physicochemical variation, residue mobility, and thermodynamic stability) indicates that this missense variant is not expected to disrupt VPS13B protein function with a negative predictive value of 80%. In summary, the available evidence is currently insufficient to determine the role of this variant in disease. Therefore, it has been classified as a Variant of Uncertain Significance.